The following is an entry in ClinVar:

ClinVar aggregate classification (germline): Likely pathogenic (1 of 4 stars; one submission).

Conditions:
Nonsyndromic congenital nail disorder 1. Also called: ONYCHODYSTROPHY TOTALIS, ISOLATED; CLAW-SHAPED NAILS; ONYCHAUXIS, HYPONYCHIA, AND ONYCHOLYSIS; NAIL DISORDER, NONSYNDROMIC CONGENITAL, 10; Twenty nail dystrophy. Identifiers: Orphanet 280654, Orphanet 79153, MedGen C0406443, MONDO:0008060, OMIM 161050.

Submission:

Juno Genomics, Hangzhou Juno Genomics, Inc
Classification: Likely pathogenic for Nonsyndromic congenital nail disorder 1. Review status: criteria provided, single submitter. Criteria: ACMG Guidelines, 2015. Collection method: clinical testing. Allele origin: germline.
Comment: Absent from controls (or at extremely low frequency if recessive) in Genome Aggregation Database.;Null variant in a gene where loss of function (LOF) is a known mechanism of disease.

NM_003506.4(FZD6):c.351G>A (p.Trp117Ter)

Gene: FZD6 (frizzled class receptor 6; plus strand). Cytogenetic location: 8q22.3.
Variant type: single nucleotide variant.
Coding change: c.351G>A on transcript NM_003506.4 (MANE Select); coding-DNA position 351, G replaced by A.
Protein change: p.Trp117Ter; replaces tryptophan 117 with a stop codon.
Molecular consequence: nonsense. On other transcripts: non-coding transcript variant (1), intron variant (1).
Genome position (GRCh38, 1-based): chr8:103,318,763, G>A. VCF-style: chr8-103318763-G-A. GRCh37 (hg19) VCF-style: chr8-104330991-G-A.
Other names: c.351G>A, p.Trp117Ter (NM_001164615.2); c.255G>A, p.Trp85Ter (NM_001164616.2); c.33-6291G>A (NM_001317796.2); short protein forms W117*, W85*.
Identifiers: ClinVar variation 5019858 (VCV005019858.2).